The following is an entry in ClinVar:

ClinVar aggregate classification (germline): Likely benign (1 of 4 stars; one submission).

Conditions:
SAMD14-related disorder. Also called: SAMD14-related condition.

gnomAD v4.1: 406 of 1,612,384 alleles (0.025%); highest among the groups gnomAD compares: Non-Finnish European, 0.033%; no homozygotes.

Submissions (2):

PreventionGenetics, part of Exact Sciences
Classification: Likely benign for SAMD14-related condition. Last evaluated: 2025-09-10. Review status: criteria provided, single submitter. Criteria: ACMG Guidelines, 2015. Collection method: clinical testing. Allele origin: germline.
Comment: This variant is classified as likely benign based on ACMG/AMP sequence variant interpretation guidelines (Richards et al. 2015 PMID: 25741868, with internal and published modifications).

Dr. Peter K. Rogan Lab, Western University
No classification provided (evidence only). Condition: Familial cancer of breast. Review status: no classification provided. Collection method: in vitro. Allele origin: not applicable. Functional consequence: skipped exon, retained intron. Not counted in ClinVar's aggregate classification.

NM_001257359.2(SAMD14):c.823-137C>A

Gene: SAMD14 (sterile alpha motif domain containing 14; minus strand). Cytogenetic location: 17q21.33.
Variant type: single nucleotide variant.
Coding change: c.823-137C>A on transcript NM_001257359.2 (MANE Select); 137 bases into the intron before coding-DNA position 823, C replaced by A.
Molecular consequence: intron variant.
Genome position (GRCh38, 1-based): chr17:50,114,443, G>T on the plus strand (C>A on the coding strand, the complement: SAMD14 is on the minus strand). VCF-style: chr17-50114443-G-T. GRCh37 (hg19) VCF-style: chr17-48191807-G-T.
Other names: NC_000017.10:g.48191807G>T; c.823-3C>A (NM_174920.3, NM_174920.4).
Identifiers: ClinVar variation 4423784 (VCV004423784.2).